The following is an entry in ClinVar:

ClinVar aggregate classification (germline): Benign (1 of 4 stars; one submission).

Conditions:
Familial adenomatous polyposis 1 (FAP1). Also called: FAMILIAL ADENOMATOUS POLYPOSIS 1, ATTENUATED; POLYPOSIS, ADENOMATOUS INTESTINAL. Identifiers: MedGen C2713442, MONDO:0021056, OMIM 175100. Disease mechanism: loss of function.

gnomAD v4.1: 1 of 1,613,954 alleles (0.000062%); no homozygotes.

Submission:

Myriad Genetics, Inc.
Classification: Benign for Familial adenomatous polyposis 1. Last evaluated: 2024-04-11. Review status: criteria provided, single submitter. Criteria: Myriad Autosomal Dominant, Autosomal Recessive and X-Linked Classification Criteria (2023). Collection method: clinical testing. Allele origin: unknown.
Comment: This variant is considered benign. This variant is a silent/synonymous amino acid change and it is not expected to impact splicing.

NM_000038.6(APC):c.7875T>C (p.Ser2625=)

Gene: APC (APC regulator of Wnt signaling pathway; plus strand). Cytogenetic location: 5q22.2.
Variant type: single nucleotide variant.
Coding change: c.7875T>C on transcript NM_000038.6 (MANE Select); coding-DNA position 7875, T replaced by C.
Protein change: p.Ser2625=; no amino-acid change (serine 2625 retained).
Molecular consequence: synonymous variant. On other transcripts: non-coding transcript variant (2).
Genome position (GRCh38, 1-based): chr5:112,843,469, T>C. VCF-style: chr5-112843469-T-C. GRCh37 (hg19) VCF-style: chr5-112179166-T-C.
Other names: c.7929T>C, p.Ser2643= (NM_001407448.1, NM_001407449.1, NM_001354896.2 and 1 more transcripts); c.7875T>C, p.Ser2625= (NM_001407450.1, NM_001127510.3, NM_001354895.2); c.7854T>C, p.Ser2618= (NM_001407451.1); c.7845T>C, p.Ser2615= (NM_001407452.1); c.7698T>C, p.Ser2566= (NM_001407453.1, NM_001354901.2); c.7626T>C, p.Ser2542= (NM_001407454.1, NM_001407455.1, NM_001407456.1 and 1 more transcripts); c.7572T>C, p.Ser2524= (NM_001407458.1, NM_001407459.1, NM_001407460.1 and 1 more transcripts); c.7488T>C, p.Ser2496= (NM_001407467.1, NM_001407469.1); and 11 more.
Identifiers: ClinVar variation 3254476 (VCV003254476.1), dbSNP rs2149995309.
Genomic context (GRCh38, chr5:112,843,469, plus strand): 5'-AGTATCCGCAAAAGGAACATGGAGAAAAATAAAAGAAAATGAATTTTCTCCCACAAATAG[T>C]ACTTCTCAGACCGTTTCCTCAGGTGCTACAAATGGTGCTGAATCAAAGACTCTAATTTAT-3'
Protein context (NP_000029.2, residues 2615-2635): IKENEFSPTN[Ser2625=]TSQTVSSGAT